The following is an entry in ClinVar:

ClinVar aggregate classification (germline): Pathogenic. Review status: criteria provided, multiple submitters, no conflicts (2 of 4 stars). 4 submissions from 4 submitters: Pathogenic (3). 1 of the submissions does not count toward it. Last evaluated 2023-12-31.

Conditions:
CDH23-related disorder. Also called: CDH23-related disorders; CDH23-related condition.
Usher syndrome type 1 (USH1). Also called: RETINITIS PIGMENTOSA AND CONGENITAL DEAFNESS. Identifiers: Orphanet 231169, Orphanet 886, MedGen C1568247, MONDO:0010168, OMIM 276900.
Pituitary adenoma 5, multiple types. Identifiers: MedGen C4539685, MONDO:0054601, OMIM 617540.

Allele frequency attached by ClinVar (database versions not stated): gnomAD exomes 0.00006 and 0.00007; ExAC 0.00014.
gnomAD v4.1: 39 of 1,613,754 alleles (0.0024%); highest among the groups gnomAD compares: Non-Finnish European, 0.0027%; no homozygotes.

Submissions (4):

Labcorp Genetics (formerly Invitae), Labcorp
Classification: Pathogenic. Last evaluated: 2023-12-31. Review status: criteria provided, single submitter. Criteria: Invitae Variant Classification Sherloc (09022015). Collection method: clinical testing. Allele origin: germline.
Comment: This sequence change affects a donor splice site in intron 5 of the CDH23 gene. It is expected to disrupt RNA splicing. Variants that disrupt the donor or acceptor splice site typically lead to a loss of protein function (PMID: 16199547), and loss-of-function variants in CDH23 are known to be pathogenic (PMID: 11138009, 21940737). This variant is present in population databases (rs764824311, gnomAD 0.02%). Disruption of this splice site has been observed in individuals with Usher syndrome (PMID: 12075507, 18429043). ClinVar contains an entry for this variant (Variation ID: 934718). Algorithms developed to predict the effect of sequence changes on RNA splicing suggest that this variant may disrupt the consensus splice site. For these reasons, this variant has been classified as Pathogenic.

Baylor Genetics
Classification: Pathogenic for Pituitary adenoma 5, multiple types. Last evaluated: 2023-07-21. Review status: criteria provided, single submitter. Criteria: ACMG Guidelines, 2015. Collection method: clinical testing. Allele origin: unknown.

Blueprint Genetics
Classification: Pathogenic for CDH23-related disorders. Last evaluated: 2022-10-31. Review status: criteria provided, single submitter. Criteria: ACMG Guidelines, 2015. Collection method: clinical testing. Allele origin: germline. Affected: yes. Observed: 5 variant alleles.

Natera, Inc.
Classification: Pathogenic for Usher syndrome type 1. Last evaluated: 2020-04-15. Review status: no assertion criteria provided. Collection method: clinical testing. Allele origin: germline. Not counted in ClinVar's aggregate classification.

Literature cited by the submitters: PubMed 16199547 (cited by Labcorp Genetics (formerly Invitae), Labcorp); PubMed 11138009 (cited by Labcorp Genetics (formerly Invitae), Labcorp); PubMed 21940737 (cited by Labcorp Genetics (formerly Invitae), Labcorp); PubMed 12075507 (cited by Labcorp Genetics (formerly Invitae), Labcorp); PubMed 18429043 (cited by Labcorp Genetics (formerly Invitae), Labcorp).

NM_022124.6(CDH23):c.336+1G>A

Genes: CDH23 (cadherin related 23; plus strand), CDH23-AS1 (CDH23 antisense RNA 1; minus strand). Cytogenetic location: 10q22.1.
Variant type: single nucleotide variant.
Coding change: c.336+1G>A on transcript NM_022124.6 (MANE Select); the canonical splice donor site of the intron after coding-DNA position 336, G replaced by A.
Molecular consequence: splice donor variant.
Genome position (GRCh38, 1-based): chr10:71,511,002, G>A. VCF-style: chr10-71511002-G-A. GRCh37 (hg19) VCF-style: chr10-73270759-G-A.
Other names: c.336+1G>A (NM_001171930.2, NM_001171931.2, NM_052836.4 and 1 more transcripts).
Identifiers: ClinVar variation 934718 (VCV000934718.11), dbSNP rs764824311, ClinGen allele CA5543377.